The following is an entry in ClinVar:

ClinVar aggregate classification (germline): Pathogenic (1 of 4 stars; one submission).

Conditions:
Epidermolysis bullosa simplex with nail dystrophy (EBS5D). Identifiers: MedGen C4225309, MONDO:0014661, OMIM 616487.
Epidermolysis bullosa simplex, Ogna type (EBS5A). Also called: Pidermolysis bullosa simplex 5A, Ogna type; EPIDERMOLYSIS BULLOSA SIMPLEX 5A, OGNA TYPE. Identifiers: Orphanet 79401, MedGen C0432317, MONDO:0007555, OMIM 131950.
Autosomal recessive limb-girdle muscular dystrophy type 2Q (LGMDR17). Also called: MUSCULAR DYSTROPHY, LIMB-GIRDLE, AUTOSOMAL RECESSIVE 17. Identifiers: Orphanet 254361, MedGen C3150989, MONDO:0013390, OMIM 613723.
Epidermolysis bullosa simplex 5B, with muscular dystrophy (EBS5B). Also called: EPIDERMOLYSIS BULLOSA SIMPLEX AND LIMB-GIRDLE MUSCULAR DYSTROPHY; Epidermolysis bullosa simplex with muscular dystrophy. Identifiers: Orphanet 257, MedGen C2931072, MONDO:0009181, OMIM 226670.
Epidermolysis bullosa simplex 5C, with pyloric atresia (EBS5C). Also called: PLEC-Related Epidermolysis Bullosa with Pyloric Atresia; Epidermolysis bullosa simplex with pyloric atresia; PLEC1-Related Epidermolysis Bullosa with Pyloric Atresia. Identifiers: Orphanet 158684, MedGen C2677349, MONDO:0012807, OMIM 612138.

Submission:

Labcorp Genetics (formerly Invitae), Labcorp
Classification: Pathogenic for Autosomal recessive limb-girdle muscular dystrophy type 2Q; Epidermolysis bullosa simplex, Ogna type; Epidermolysis bullosa simplex with nail dystrophy; Epidermolysis bullosa simplex 5C, with pyloric atresia; Epidermolysis bullosa simplex 5B, with muscular dystrophy. Last evaluated: 2021-05-30. Review status: criteria provided, single submitter. Criteria: Invitae Variant Classification Sherloc (09022015). Collection method: clinical testing. Allele origin: germline.
Comment: This variant has not been reported in the literature in individuals with PLEC-related conditions. This variant is not present in population databases (ExAC no frequency). This sequence change creates a premature translational stop signal (p.Gly44Alafs*104) in the PLEC gene. It is expected to result in an absent or disrupted protein product. Loss-of-function variants in PLEC are known to be pathogenic (PMID: 20301336, 20447487, 21109228, 23289980, 28824526). For these reasons, this variant has been classified as Pathogenic.

Literature cited by the submitters: PubMed 20301336; PubMed 20447487; PubMed 21109228; PubMed 23289980; PubMed 28824526.

NM_000445.5(PLEC):c.106_119dup (p.Gly44fs)

Gene: PLEC (plectin; minus strand). Cytogenetic location: 8q24.3.
Variant type: Duplication.
Coding change: c.106_119dup on transcript NM_000445.5; coding-DNA positions 106 to 119, 14 bases duplicated (ACGCAGCGGAGCCG).
Protein change: p.Gly44fs; shifts the reading frame from glycine 44.
Molecular consequence: frameshift variant.
Genome position (GRCh38, 1-based): chr8:143,975,251-143,975,264, CGGCTCCGCTGCGT duplicated on the plus strand (ACGCAGCGGAGCCG on the coding strand, the reverse complement: PLEC is on the minus strand). VCF-style (leftmost placement, unchanged base first): chr8-143975250-C-CCGGCTCCGCTGCGT. GRCh37 (hg19) VCF-style: chr8-145049418-C-CCGGCTCCGCTGCGT.
Other names: c.106_119dup, p.Gly44fs (NM_001410941.1); short protein forms G44fs.
Identifiers: ClinVar variation 1396569 (VCV001396569.8), dbSNP rs2133006435, ClinGen allele CA2573142888.
Genomic context (GRCh38, chr8:143,975,250, plus strand): 5'-GACCGCCCGCTCAGCTGGGTCCAGGACACTCCCGTTGCTCCCAGCGCCACCCCCGCTGCG[C>CCGGCTCCGCTGCGT]CGGCTCCGCTGCGTTTTCCCAAGGTTCCAGGGCAGTGTGTCCCCAGGGCTGGGCGAGCCA-3'